The following is an entry in ClinVar:

ClinVar aggregate classification (germline): Uncertain significance (1 of 4 stars; one submission).

Submission:

Mayo Clinic Laboratories, Mayo Clinic
Classification: Uncertain significance. Last evaluated: 2023-12-07. Review status: criteria provided, single submitter. Criteria: ACMG Guidelines, 2015. Collection method: clinical testing. Allele origin: germline. Observed: 1 variant allele.
Comment: PP2, PM2

NM_000090.4(COL3A1):c.1693_1694delinsGT (p.Pro565Val)

Gene: COL3A1 (collagen type III alpha 1 chain; plus strand). Cytogenetic location: 2q32.2.
Variant type: Indel.
Coding change: c.1693_1694delinsGT on transcript NM_000090.4 (MANE Select); coding-DNA positions 1693 to 1694, CC replaced by GT.
Protein change: p.Pro565Val; replaces proline 565 with valine.
Molecular consequence: missense variant.
Genome position (GRCh38, 1-based): chr2:188,996,428-188,996,429, CC replaced by GT. VCF-style: chr2-188996428-CC-GT. GRCh37 (hg19) VCF-style: chr2-189861154-CC-GT.
Other names: p.Pro565Val; c.1693_1694delCCinsGT, p.Pro565Val (NM_000090.3); short protein forms P565V.
Identifiers: ClinVar variation 3379398 (VCV003379398.1).